The following is an entry in ClinVar:

NM_015559.3(SETBP1):c.2561C>T (p.Ser854Phe)

Gene: SETBP1 (SET binding protein 1; plus strand). Cytogenetic location: 18q12.3.
Variant type: single nucleotide variant.
Coding change: c.2561C>T on transcript NM_015559.3 (MANE Select); coding-DNA position 2561, C replaced by T.
Protein change: p.Ser854Phe; replaces serine 854 with phenylalanine.
Molecular consequence: missense variant.
Genome position (GRCh38, 1-based): chr18:44,951,901, C>T. VCF-style: chr18-44951901-C-T. GRCh37 (hg19) VCF-style: chr18-42531866-C-T.
Other names: c.2561C>T, p.Ser854Phe (NM_001379141.1, NM_001379142.1); short protein forms S854F.
Identifiers: ClinVar variation 984834 (VCV000984834.7), dbSNP rs2071362354, ClinGen allele CA402321709.

ClinVar aggregate classification (germline): Uncertain significance (1 of 4 stars; one submission).

Conditions:
Intellectual developmental disorder, autosomal dominant 29. Also called: SETBP1 Haploinsufficiency Disorder; Intellectual disability, autosomal dominant 29. Identifiers: Orphanet 436151, MedGen C4015141, MONDO:0014482, OMIM 616078.

Submission:

Labcorp Genetics (formerly Invitae), Labcorp
Classification: Uncertain significance. Last evaluated: 2024-12-16. Review status: criteria provided, single submitter. Criteria: Invitae Variant Classification Sherloc (09022015). Collection method: clinical testing. Allele origin: germline.
Comment: This sequence change replaces serine, which is neutral and polar, with phenylalanine, which is neutral and non-polar, at codon 854 of the SETBP1 protein (p.Ser854Phe). This variant is not present in population databases (gnomAD no frequency). This variant has not been reported in the literature in individuals affected with SETBP1-related conditions. ClinVar contains an entry for this variant (Variation ID: 984834). Invitae Evidence Modeling of protein sequence and biophysical properties (such as structural, functional, and spatial information, amino acid conservation, physicochemical variation, residue mobility, and thermodynamic stability) indicates that this missense variant is expected to disrupt SETBP1 protein function with a positive predictive value of 80%. In summary, the available evidence is currently insufficient to determine the role of this variant in disease. Therefore, it has been classified as a Variant of Uncertain Significance.